The following is an entry in ClinVar:

NM_021831.6(AGBL5):c.2500G>T (p.Ala834Ser)

Gene: AGBL5 (AGBL carboxypeptidase 5; plus strand). Cytogenetic location: 2p23.3.
Variant type: single nucleotide variant.
Coding change: c.2500G>T on transcript NM_021831.6 (MANE Select); coding-DNA position 2500, G replaced by T.
Protein change: p.Ala834Ser; replaces alanine 834 with serine.
Molecular consequence: missense variant. On other transcripts: non-coding transcript variant (2).
Genome position (GRCh38, 1-based): chr2:27,070,102, G>T. VCF-style: chr2-27070102-G-T. GRCh37 (hg19) VCF-style: chr2-27292970-G-T.
Other names: c.2500G>T, p.Ala834Ser (NM_001035506.1); short protein forms A834S.
Identifiers: ClinVar variation 1962294 (VCV001962294.6), dbSNP rs369204320, ClinGen allele CA346142737.

ClinVar aggregate classification (germline): Uncertain significance. Review status: criteria provided, multiple submitters, no conflicts (2 of 4 stars). 2 submissions from 2 submitters: Uncertain significance (2). Last evaluated 2022-08-15.

Submissions (2):

Labcorp Genetics (formerly Invitae), Labcorp
Classification: Uncertain significance. Last evaluated: 2022-08-15. Review status: criteria provided, single submitter. Criteria: Invitae Variant Classification Sherloc (09022015). Collection method: clinical testing. Allele origin: germline.
Comment: In summary, the available evidence is currently insufficient to determine the role of this variant in disease. Therefore, it has been classified as a Variant of Uncertain Significance. This sequence change replaces alanine, which is neutral and non-polar, with serine, which is neutral and polar, at codon 834 of the AGBL5 protein (p.Ala834Ser). This variant is not present in population databases (gnomAD no frequency). This variant has not been reported in the literature in individuals affected with AGBL5-related conditions. Algorithms developed to predict the effect of missense changes on protein structure and function (SIFT, PolyPhen-2, Align-GVGD) all suggest that this variant is likely to be tolerated.

Blueprint Genetics
Classification: Uncertain significance. Last evaluated: 2020-11-05. Review status: criteria provided, single submitter. Criteria: ACMG Guidelines, 2015. Collection method: clinical testing. Allele origin: germline.